The following is an entry in ClinVar:

NM_178857.6(RP1L1):c.1779G>A (p.Thr593=)

Gene: RP1L1 (RP1 like 1). Cytogenetic location: 8p23.1.
Variant type: single nucleotide variant.
Coding change: c.1779G>A on transcript NM_178857.6 (MANE Select); coding-DNA position 1779, G replaced by A.
Protein change: p.Thr593=; no amino-acid change (threonine 593 retained).
Molecular consequence: synonymous variant.
Genome position (GRCh38, 1-based): chr8:10,612,319, C>T on the plus strand (G>A on the coding strand, the complement: RP1L1 is on the minus strand). VCF-style: chr8-10612319-C-T. GRCh37 (hg19) VCF-style: chr8-10469829-C-T.
Identifiers: ClinVar variation 361368 (VCV000361368.6), dbSNP rs78127667, ClinGen allele CA4625060.

ClinVar aggregate classification (germline): Benign. Review status: criteria provided, multiple submitters, no conflicts (2 of 4 stars). 2 submissions from 2 submitters: Benign (2). Last evaluated 2018-01-12.

Conditions:
Occult macular dystrophy (OCMD). Also called: OMD; OCCULT MACULAR DYSTROPHY, SUSCEPTIBILITY TO. Identifiers: Orphanet 247834, MedGen C3150833, MONDO:0013316, OMIM 613587, HP:0030636.

Allele frequency attached by ClinVar (database versions not stated): ExAC 0.00355; gnomAD exomes 0.00370; gnomAD 0.00995; ESP Exome Variant Server 0.01057; 1000 Genomes Project 0.01078; TOPMed 0.01132; 1000 Genomes Project 30x 0.01140.

Submissions (2):

Illumina Laboratory Services, Illumina
Classification: Benign for Occult macular dystrophy. Last evaluated: 2018-01-12. Review status: criteria provided, single submitter. Criteria: ICSL Variant Classification Criteria 13 December 2019. Collection method: clinical testing. Allele origin: germline.
Comment: This variant was observed in the ICSL laboratory as part of a predisposition screen in an ostensibly healthy population. It had not been previously curated by ICSL or reported in the Human Gene Mutation Database (HGMD: prior to June 1st, 2018), and was therefore a candidate for classification through an automated scoring system. Utilizing variant allele frequency, disease prevalence and penetrance estimates, and inheritance mode, an automated score was calculated to assess if this variant is too frequent to cause the disease. Based on the score and internal cut-off values, a variant classified as benign is not then subjected to further curation. The score for this variant resulted in a classification of benign for this disease.

Breakthrough Genomics
Classification: Benign. Review status: criteria provided, single submitter. Criteria: ACMG Guidelines, 2015. Collection method: not provided. Allele origin: germline. Inheritance: Autosomal recessive inheritance. Affected: yes.